The following is an entry in ClinVar:

NM_002480.3(PPP1R12A):c.723T>C (p.His241=)

Gene: PPP1R12A (protein phosphatase 1 regulatory subunit 12A; minus strand). Cytogenetic location: 12q21.2.
Variant type: single nucleotide variant.
Coding change: c.723T>C on transcript NM_002480.3 (MANE Select); coding-DNA position 723, T replaced by C.
Protein change: p.His241=; no amino-acid change (histidine 241 retained).
Molecular consequence: synonymous variant.
Genome position (GRCh38, 1-based): chr12:79,828,389, A>G on the plus strand (T>C on the coding strand, the complement: PPP1R12A is on the minus strand). VCF-style: chr12-79828389-A-G. GRCh37 (hg19) VCF-style: chr12-80222169-A-G.
Other names: c.723T>C, p.His241= (NM_001143885.2, NM_001244990.2, NM_001244992.1); c.462T>C, p.His154= (NM_001143886.2).
Identifiers: ClinVar variation 3046230 (VCV003046230.2), dbSNP rs756664073, ClinGen allele CA6699854.
Genomic context (GRCh38, chr12:79,828,389, plus strand): 5'-GACCATCTCCATATCACACAGATTGTCCACTAAAATTCGACATGCTTCTTCTTTACCCCA[A>G]TGAGCTGCAGCATGAAGAGGTGTCCAGCCATCATAGTCTTTAATATTAACATCATAGCCT-3'
Protein context (NP_002471.1, residues 231-251): DGWTPLHAAA[His241=]WGKEEACRIL

ClinVar aggregate classification (germline): Likely benign (0 of 4 stars; one submission).

Conditions:
PPP1R12A-related disorder. Also called: PPP1R12A-related condition.

Allele frequency attached by ClinVar (database versions not stated): gnomAD exomes below 0.00001; ExAC 0.00001; gnomAD 0.00002; TOPMed 0.00003.
gnomAD v4.1: 6 of 1,612,170 alleles (0.00037%); highest among the groups gnomAD compares: African/African-American, 0.004%; no homozygotes.

Submission:

PreventionGenetics, part of Exact Sciences
Classification: Likely benign for PPP1R12A-related condition. Last evaluated: 2023-06-06. Review status: no assertion criteria provided. Collection method: clinical testing. Allele origin: germline.
Comment: This variant is classified as likely benign based on ACMG/AMP sequence variant interpretation guidelines (Richards et al. 2015 PMID: 25741868, with internal and published modifications).